The following is an entry in ClinVar:

NM_001267550.2(TTN):c.83272T>C (p.Phe27758Leu)

Genes: TTN (titin; minus strand), TTN-AS1 (TTN antisense RNA 1; plus strand). Cytogenetic location: 2q31.2.
Variant type: single nucleotide variant.
Coding change: c.83272T>C on transcript NM_001267550.2 (MANE Select); coding-DNA position 83272, T replaced by C.
Protein change: p.Phe27758Leu; replaces phenylalanine 27758 with leucine.
Molecular consequence: missense variant.
Genome position (GRCh38, 1-based): chr2:178,562,860, A>G on the plus strand (T>C on the coding strand, the complement: TTN is on the minus strand). VCF-style: chr2-178562860-A-G. GRCh37 (hg19) VCF-style: chr2-179427587-A-G.
Other names: c.78349T>C, p.Phe26117Leu (NM_001256850.1); c.56077T>C, p.Phe18693Leu (NM_003319.4); c.75568T>C, p.Phe25190Leu (NM_133378.4); c.56452T>C, p.Phe18818Leu (NM_133432.3); c.56653T>C, p.Phe18885Leu (NM_133437.4); short protein forms F27758L, F18818L, F18885L, F25190L, F26117L, F18693L.
Identifiers: ClinVar variation 535366 (VCV000535366.25), dbSNP rs188323108, ClinGen allele CA1988949.

ClinVar aggregate classification (germline): Conflicting classifications of pathogenicity. Review status: criteria provided, conflicting classifications (1 of 4 stars). 8 submissions from 8 submitters: Uncertain significance (1); Benign (4); Likely benign (2). 1 of the submissions does not count toward it. Last evaluated 2026-01-10.

Conditions:
TTN-related disorder. Also called: TTN-related condition; TTN-related disease; TTN-related disorders.
Amyloidosis, hereditary systemic 1 (AMYLD1). Also called: Transthyretin Amyloidosis; Hereditary oculoleptomeningeal amyloid angiopathy; Familial Transthyretin Amyloidosis; AMYLOID CARDIOMYOPATHY; Hereditary Transthyretin Amyloidosis; Familial amyloid polyneuropathy. Identifiers: Orphanet 85447, Orphanet 85451, MedGen C2751492, MONDO:0971004, OMIM 105210.
Dilated cardiomyopathy 1G (CMD1G). Identifiers: Orphanet 154, MedGen C1858763, MONDO:0011400, OMIM 604145.
Autosomal recessive limb-girdle muscular dystrophy type 2J (LGMDR10). Also called: Limb-girdle muscular dystrophy, type 2J; MUSCULAR DYSTROPHY, LIMB-GIRDLE, AUTOSOMAL RECESSIVE 10. Identifiers: Orphanet 140922, MedGen C1837342, MONDO:0012127, OMIM 608807.
Primary dilated cardiomyopathy (DCM). Also called: Dilated Cardiomyopathy. Identifiers: Orphanet 217604, MedGen C0007193, MeSH D002311, MONDO:0005021, HP:0001644. Inheritance: Various modes of inheritance.

Allele frequency attached by ClinVar (database versions not stated): gnomAD 0.00006 and 0.00007; gnomAD exomes 0.00006 and 0.00037; TOPMed 0.00011; 1000 Genomes Project 30x 0.00031; ExAC 0.00032; 1000 Genomes Project 0.00040.
gnomAD v4.1: 98 of 1,613,078 alleles (0.0061%); highest among the groups gnomAD compares: East Asian, 0.19%; no homozygotes.

Submissions (8):

Labcorp Genetics (formerly Invitae), Labcorp
Classification: Benign for Dilated cardiomyopathy 1G; Autosomal recessive limb-girdle muscular dystrophy type 2J. Last evaluated: 2026-01-10. Review status: criteria provided, single submitter. Criteria: Invitae Variant Classification Sherloc (09022015). Collection method: clinical testing. Allele origin: germline.

Blueprint Genetics
Classification: Likely benign. Last evaluated: 2024-06-13. Review status: criteria provided, single submitter. Criteria: ACMG Guidelines, 2015. Collection method: clinical testing. Allele origin: germline.

GeneDx
Classification: Likely benign. Last evaluated: 2019-11-04. Review status: criteria provided, single submitter. Criteria: GeneDx Variant Classification Process June 2021. Collection method: clinical testing. Allele origin: germline. Affected: yes.

Athena Diagnostics
Classification: Benign. Last evaluated: 2019-06-27. Review status: criteria provided, single submitter. Criteria: Athena Diagnostics Criteria. Collection method: clinical testing. Allele origin: germline.

Center for Advanced Laboratory Medicine, UC San Diego Health, University of California San Diego
Classification: Benign for Hereditary transthyretin amyloidosis. Last evaluated: 2019-05-20. Review status: criteria provided, single submitter. Criteria: ACMG Guidelines, 2015. Collection method: clinical testing. Allele origin: germline. Affected: yes. Observed: 2 variant alleles.

Laboratory for Molecular Medicine, Mass General Brigham Personalized Medicine
Classification: Benign. Last evaluated: 2018-06-04. Review status: criteria provided, single submitter. Criteria: LMM Criteria. Collection method: clinical testing. Allele origin: germline. Observed: 1 variant allele.
Comment: p.Phe25190Leu in exon 275 of TTN: This variant is classified as benign because i t has been identified in 0.4% (80/18522) of East Asian chromosomes by the Genome Aggregation Database (gnomAD; dbSNP rs1883231 08). ACMG/AMP Criteria applied: BA1, PP3.

Genetics and Genomics Program, Sidra Medicine
Classification: Uncertain significance for Primary dilated cardiomyopathy. Review status: criteria provided, single submitter. Criteria: ACMG Guidelines, 2015. Collection method: research. Allele origin: unknown. Affected: yes. Observed: 1 variant allele.

PreventionGenetics, part of Exact Sciences
Classification: Likely benign for TTN-related condition. Last evaluated: 2022-09-07. Review status: no assertion criteria provided. Collection method: clinical testing. Allele origin: germline. Not counted in ClinVar's aggregate classification.
Comment: This variant is classified as likely benign based on ACMG/AMP sequence variant interpretation guidelines (Richards et al. 2015 PMID: 25741868, with internal and published modifications).